The following is an entry in ClinVar:

ClinVar aggregate classification (germline): Likely benign. Review status: criteria provided, multiple submitters, no conflicts (2 of 4 stars). 2 submissions from 2 submitters: Likely benign (2). Last evaluated 2022-11-03.

Conditions:
Neurodevelopmental disorder with or without hyperkinetic movements and seizures, autosomal dominant. Also called: Intellectual disability, autosomal dominant 8. Identifiers: MedGen C3280282, MONDO:0013655, OMIM 614254.

Allele frequency attached by ClinVar (database versions not stated): gnomAD 0.00001; TOPMed 0.00002.
gnomAD v4.1: 1 of 1,611,262 alleles (0.000062%); highest among the groups gnomAD compares: African/African-American, 0.0013%; no homozygotes.

Submissions (2):

Labcorp Genetics (formerly Invitae), Labcorp
Classification: Likely benign for Neurodevelopmental disorder with or without hyperkinetic movements and seizures, autosomal dominant. Last evaluated: 2022-11-03. Review status: criteria provided, single submitter. Criteria: Invitae Variant Classification Sherloc (09022015). Collection method: clinical testing. Allele origin: germline.

GeneDx
Classification: Likely benign. Last evaluated: 2018-03-21. Review status: criteria provided, single submitter. Criteria: GeneDx Variant Classification (06012015). Collection method: clinical testing. Allele origin: germline. Affected: yes.
Comment: This variant is considered likely benign or benign based on one or more of the following criteria: it is a conservative change, it occurs at a poorly conserved position in the protein, it is predicted to be benign by multiple in silico algorithms, and/or has population frequency not consistent with disease.

NM_007327.4(GRIN1):c.1806C>T (p.Thr602=)

Gene: GRIN1 (glutamate ionotropic receptor NMDA type subunit 1; plus strand). Cytogenetic location: 9q34.3.
Variant type: single nucleotide variant.
Coding change: c.1806C>T on transcript NM_007327.4 (MANE Select); coding-DNA position 1806, C replaced by T.
Protein change: p.Thr602=; no amino-acid change (threonine 602 retained).
Molecular consequence: synonymous variant.
Genome position (GRCh38, 1-based): chr9:137,162,458, C>T. VCF-style: chr9-137162458-C-T. GRCh37 (hg19) VCF-style: chr9-140056910-C-T.
Other names: c.1806C>T, p.Thr602= (NM_000832.7, NM_021569.4); c.1869C>T, p.Thr623= (NM_001185090.2, NM_001185091.2).
Identifiers: ClinVar variation 680510 (VCV000680510.9), dbSNP rs1039715252, ClinGen allele CA467850205.